The following is an entry in ClinVar:

NM_000138.5(FBN1):c.6134C>T (p.Ser2045Phe)

Gene: FBN1 (fibrillin 1; minus strand). Cytogenetic location: 15q21.1.
Variant type: single nucleotide variant.
Coding change: c.6134C>T on transcript NM_000138.5 (MANE Select); coding-DNA position 6134, C replaced by T.
Protein change: p.Ser2045Phe; replaces serine 2045 with phenylalanine.
Molecular consequence: missense variant.
Genome position (GRCh38, 1-based): chr15:48,441,750, G>A on the plus strand (C>T on the coding strand, the complement: FBN1 is on the minus strand). VCF-style: chr15-48441750-G-A. GRCh37 (hg19) VCF-style: chr15-48733947-G-A.
Other names: short protein forms S2045F.
Identifiers: ClinVar variation 927215 (VCV000927215.5), dbSNP rs2043116675, ClinGen allele CA392338060.
Genomic context (GRCh38, chr15:48,441,750, plus strand): 5'-TTGAAAGCCCAAAGCCTTCAAAGACACTTACCTTGGCACCTTCTTCCACTGGAGGACAAG[G>A]AAAACCCTTCTGGACACAGACATTTGAAGCTGCCTTCAGTGTTACTGCATGTGCCCAGGG-3'
Protein context (NP_000129.3, residues 2035-2055): SFKCLCPEGF[Ser2045Phe]LSSSGRRCQD

ClinVar aggregate classification (germline): Uncertain significance (1 of 4 stars; one submission).

Conditions:
Familial thoracic aortic aneurysm and aortic dissection (TAAD). Also called: Thoracic aortic aneurysms and dissections. Identifiers: Orphanet 91387, MedGen C4707243, MONDO:0019625.

Submission:

Color Diagnostics, LLC DBA Color Health
Classification: Uncertain significance for Familial thoracic aortic aneurysm and aortic dissection. Last evaluated: 2023-12-05. Review status: criteria provided, single submitter. Criteria: ACMG Guidelines, 2015. Collection method: clinical testing. Allele origin: germline.
Comment: This missense variant replaces serine with phenylalanine at codon 2045 of the FBN1 protein. Computational prediction tools and conservation analyses are inconclusive regarding the impact of this variant on the protein function. Computational splicing tools suggest that this variant may not impact RNA splicing. To our knowledge, functional assays have not been performed for this variant nor has this variant been reported in individuals affected with cardiovascular disorders in the literature. This variant has not been identified in the general population by the Genome Aggregation Database (gnomAD). Available evidence is insufficient to determine the role of this variant in disease conclusively. Therefore, this variant is classified as a Variant of Uncertain Significance.